The following is an entry in ClinVar:

ClinVar aggregate classification (germline): Pathogenic. Review status: criteria provided, multiple submitters, no conflicts (2 of 4 stars). 2 submissions from 2 submitters: Pathogenic (2). Last evaluated 2023-12-02.

Conditions:
Hereditary cancer-predisposing syndrome. Also called: Hereditary neoplastic syndrome; Neoplastic Syndromes, Hereditary; Tumor predisposition; Hereditary Cancer Syndrome. Identifiers: Orphanet 140162, MedGen C0027672, MeSH D009386, MONDO:0015356.
Ataxia-telangiectasia syndrome (AT). Also called: Ataxia telangiectasia (A-T); LOUIS-BAR SYNDROME; Cerebello-oculocutaneous telangiectasia; Immunodeficiency with ataxia telangiectasia; Ataxia-telangiectasia, complementation group D; AT, COMPLEMENTATION GROUP C. Identifiers: Orphanet 100, MedGen C0004135, MONDO:0008840, OMIM 208900.

Allele frequency attached by ClinVar (database versions not stated): gnomAD exomes below 0.00001.
gnomAD v4.1: 2 of 1,613,734 alleles (0.00012%); highest among the groups gnomAD compares: South Asian, 0.0011%; no homozygotes.

Submissions (2):

Labcorp Genetics (formerly Invitae), Labcorp
Classification: Pathogenic for Ataxia-telangiectasia syndrome. Last evaluated: 2023-12-02. Review status: criteria provided, single submitter. Criteria: Invitae Variant Classification Sherloc (09022015). Collection method: clinical testing. Allele origin: germline.
Comment: This sequence change creates a premature translational stop signal (p.Gln2358*) in the ATM gene. It is expected to result in an absent or disrupted protein product. Loss-of-function variants in ATM are known to be pathogenic (PMID: 23807571, 25614872). This variant is present in population databases (no rsID available, gnomAD 0.0009%). This variant has not been reported in the literature in individuals affected with ATM-related conditions. ClinVar contains an entry for this variant (Variation ID: 1757014). Algorithms developed to predict the effect of sequence changes on RNA splicing suggest that this variant may disrupt the consensus splice site. For these reasons, this variant has been classified as Pathogenic.

Ambry Genetics
Classification: Pathogenic for Hereditary cancer-predisposing syndrome. Last evaluated: 2021-02-16. Review status: criteria provided, single submitter. Criteria: Ambry Variant Classification Scheme 2023. Collection method: clinical testing. Allele origin: germline.
Comment: The p.Q2358* pathogenic mutation (also known as c.7072C>T), located in coding exon 47 of the ATM gene, results from a C to T substitution at nucleotide position 7072. This changes the amino acid from a glutamine to a stop codon within coding exon 47. This alteration is expected to result in loss of function by premature protein truncation or nonsense-mediated mRNA decay. As such, this alteration is interpreted as a disease-causing mutation.

Literature cited by the submitters: PubMed 23807571 (cited by Labcorp Genetics (formerly Invitae), Labcorp); PubMed 25614872 (cited by Labcorp Genetics (formerly Invitae), Labcorp).

NM_000051.4(ATM):c.7072C>T (p.Gln2358Ter)

Genes: ATM (ATM serine/threonine kinase; plus strand), C11orf65 (chromosome 11 open reading frame 65; minus strand). Cytogenetic location: 11q22.3.
Variant type: single nucleotide variant.
Coding change: c.7072C>T on transcript NM_000051.4 (MANE Select); coding-DNA position 7072, C replaced by T.
Protein change: p.Gln2358Ter; replaces glutamine 2358 with a stop codon.
Molecular consequence: nonsense. On other transcripts: intron variant (2).
Genome position (GRCh38, 1-based): chr11:108,327,741, C>T. VCF-style: chr11-108327741-C-T. GRCh37 (hg19) VCF-style: chr11-108198468-C-T.
Other names: c.7072C>T, p.Gln2358Ter (NM_001351834.2); c.641-18670G>A (NM_001330368.2); c.*38+7479G>A (NM_001351110.2); short protein forms Q2358*.
Identifiers: ClinVar variation 1757014 (VCV001757014.7), dbSNP rs1414969262, ClinGen allele CA382559110.